The following is an entry in ClinVar:

NC_000023.10:g.(?_31496203)_(31515081_?)del

Gene: DMD (dystrophin; minus strand). Cytogenetic location: Xp21.2-21.1.
Variant type: Deletion.
Identifiers: ClinVar variation 2424844 (VCV002424844.4).

ClinVar aggregate classification (germline): Pathogenic (1 of 4 stars; one submission).

Conditions:
Duchenne muscular dystrophy (DMD). Also called: Duchenne Muscular Dystrophy (DMD); MUSCULAR DYSTROPHY, PSEUDOHYPERTROPHIC PROGRESSIVE, DUCHENNE TYPE. Identifiers: Orphanet 98896, MedGen C0013264, MONDO:0010679, OMIM 310200.

Submission:

Labcorp Genetics (formerly Invitae), Labcorp
Classification: Pathogenic for Duchenne muscular dystrophy. Last evaluated: 2020-12-04. Review status: criteria provided, single submitter. Criteria: Invitae Variant Classification Sherloc (09022015). Collection method: clinical testing. Allele origin: germline.
Comment: This variant is an out-of-frame deletion of the genomic region encompassing exons 57-59 of the DMD gene. This is expected to create a premature translational stop signal and result in an absent or disrupted protein product. This variant has not been reported in the literature in individuals with DMD-related conditions. Loss-of-function variants in DMD are known to be pathogenic (PMID: 16770791, 25007885). For these reasons, this variant has been classified as Pathogenic.

Literature cited by the submitters: PubMed 16770791; PubMed 25007885.